The following is an entry in ClinVar:

NM_001042492.3(NF1):c.4501G>T (p.Asp1501Tyr)

Gene: NF1 (neurofibromin 1; plus strand). Cytogenetic location: 17q11.2.
Variant type: single nucleotide variant.
Coding change: c.4501G>T on transcript NM_001042492.3 (MANE Select); coding-DNA position 4501, G replaced by T.
Protein change: p.Asp1501Tyr; replaces aspartic acid 1501 with tyrosine.
Molecular consequence: missense variant.
Genome position (GRCh38, 1-based): chr17:31,260,439, G>T. VCF-style: chr17-31260439-G-T. GRCh37 (hg19) VCF-style: chr17-29587457-G-T.
Other names: c.4438G>T, p.Asp1480Tyr (NM_000267.4); short protein forms D1480Y, D1501Y.
Identifiers: ClinVar variation 2677171 (VCV002677171.2), dbSNP rs2067664389, ClinGen allele CA398999527.
Genomic context (GRCh38, chr17:31,260,439, plus strand): 5'-GATATAGCATCTGATTGTCCTACAAGTGATGCAGTAAATCATAGTCTTTCCTTCATAAGT[G>T]ACGGCAATGTGCTTGCTTTACATCGTCTACTCTGGAACAATCAGGAGAAAATTGGGCAGT-3'
Protein context (NP_001035957.1, residues 1491-1511): AVNHSLSFIS[Asp1501Tyr]GNVLALHRLL

ClinVar aggregate classification (germline): Uncertain significance. Review status: criteria provided, multiple submitters, no conflicts (2 of 4 stars). 2 submissions from 2 submitters: Uncertain significance (2). Last evaluated 2024-11-16.

Conditions:
Cardiovascular phenotype. Identifiers: MedGen CN230736.
Hereditary cancer-predisposing syndrome. Also called: Neoplastic Syndromes, Hereditary; Tumor predisposition; Hereditary Cancer Syndrome; Hereditary neoplastic syndrome. Identifiers: Orphanet 140162, MedGen C0027672, MeSH D009386, MONDO:0015356.
Juvenile myelomonocytic leukemia (JMML). Also called: LEUKEMIA, JUVENILE MYELOMONOCYTIC, SOMATIC. Identifiers: Orphanet 86834, MedGen C0349639, MONDO:0011908, OMIM 607785, HP:0012209.

Submissions (2):

Ambry Genetics
Classification: Uncertain significance for Cardiovascular phenotype; Hereditary cancer-predisposing syndrome. Last evaluated: 2024-11-16. Review status: criteria provided, single submitter. Criteria: Ambry Variant Classification Scheme 2023. Collection method: clinical testing. Allele origin: germline.
Comment: The p.D1480Y variant (also known as c.4438G>T), located in coding exon 33 of the NF1 gene, results from a G to T substitution at nucleotide position 4438. The aspartic acid at codon 1480 is replaced by tyrosine, an amino acid with highly dissimilar properties. This amino acid position is highly conserved in available vertebrate species. In addition, this alteration is predicted to be deleterious by in silico analysis. Based on the available evidence, the clinical significance of this variant remains unclear.

Baylor Genetics
Classification: Uncertain significance for Juvenile myelomonocytic leukemia. Last evaluated: 2023-10-19. Review status: criteria provided, single submitter. Criteria: ACMG Guidelines, 2015. Collection method: clinical testing. Allele origin: unknown.